The following is an entry in ClinVar:

ClinVar aggregate classification (germline): Uncertain significance (1 of 4 stars; one submission).

Allele frequency attached by ClinVar (database versions not stated): TOPMed below 0.00001.

Submission:

GeneDx
Classification: Uncertain significance. Last evaluated: 2017-08-23. Review status: criteria provided, single submitter. Criteria: GeneDx Variant Classification (06012015). Collection method: clinical testing. Allele origin: germline. Affected: yes.
Comment: The T63I variant has not been published as a pathogenic variant, nor has it been reported as a benign variant to our knowledge. The T63I variant is not observed in large population cohorts (Lek et al., 2016; 1000 Genomes Consortium et al., 2015; Exome Variant Server). This substitution occurs at a position where amino acids with similar properties to Threonine are tolerated across species. However, this variant is a non-conservative amino acid substitution, which is likely to impact secondary protein structure as these residues differ in polarity, charge, size and/or other properties. Additionally, in silico analysis predicts this variant is probably damaging to the protein structure/function.

NM_001289808.2(CRYAB):c.188C>T (p.Thr63Ile)

Gene: CRYAB (crystallin alpha B; minus strand). Cytogenetic location: 11q23.1.
Variant type: single nucleotide variant.
Coding change: c.188C>T on transcript NM_001289808.2 (MANE Select); coding-DNA position 188, C replaced by T.
Protein change: p.Thr63Ile; replaces threonine 63 with isoleucine.
Molecular consequence: missense variant.
Genome position (GRCh38, 1-based): chr11:111,911,537, G>A on the plus strand (C>T on the coding strand, the complement: CRYAB is on the minus strand). VCF-style: chr11-111911537-G-A. GRCh37 (hg19) VCF-style: chr11-111782261-G-A.
Other names: c.188C>T, p.Thr63Ile (NM_001289807.1, NM_001368245.1, NM_001885.3); short protein forms T63I.
Identifiers: ClinVar variation 451483 (VCV000451483.2), dbSNP rs782356793, ClinGen allele CA382600061.